The following is an entry in ClinVar:

NM_000138.5(FBN1):c.6827G>A (p.Cys2276Tyr)

Gene: FBN1 (fibrillin 1; minus strand). Cytogenetic location: 15q21.1.
Variant type: single nucleotide variant.
Coding change: c.6827G>A on transcript NM_000138.5 (MANE Select); coding-DNA position 6827, G replaced by A.
Protein change: p.Cys2276Tyr; replaces cysteine 2276 with tyrosine.
Molecular consequence: missense variant.
Genome position (GRCh38, 1-based): chr15:48,430,715, C>T on the plus strand (G>A on the coding strand, the complement: FBN1 is on the minus strand). VCF-style: chr15-48430715-C-T. GRCh37 (hg19) VCF-style: chr15-48722912-C-T.
Other names: short protein forms C2276Y.
Identifiers: ClinVar variation 632805 (VCV000632805.2), dbSNP rs1566894262, ClinGen allele CA392332191.

ClinVar aggregate classification (germline): Pathogenic. Review status: criteria provided, multiple submitters, no conflicts (2 of 4 stars). 2 submissions from 2 submitters: Pathogenic (2). Last evaluated 2020-04-16.

Conditions:
FBN1-related disorder. Also called: FBN1-related disorders.
Marfan Syndrome/Loeys-Dietz Syndrome/Familial Thoracic Aortic Aneurysms and Dissections. Identifiers: MedGen CN229799.

Submissions (2):

Blueprint Genetics
Classification: Pathogenic for FBN1-related disorders. Last evaluated: 2020-04-16. Review status: criteria provided, single submitter. Criteria: ACMG Guidelines, 2015. Collection method: clinical testing. Allele origin: germline. Affected: yes. Observed: 1 variant allele.

Women's Health and Genetics/Laboratory Corporation of America, LabCorp
Classification: Pathogenic for Marfan Syndrome/Loeys-Dietz Syndrome/Familial Thoracic Aortic Aneurysms and Dissections. Last evaluated: 2018-04-09. Review status: criteria provided, single submitter. Criteria: LabCorp Variant Classification Summary - May 2015. Collection method: clinical testing. Allele origin: germline.
Comment: Variant summary: FBN1 c.6827G>A (p.Cys2276Tyr) results in a non-conservative amino acid change located in the EGF-like calcium-binding domain (IPR001881) of the encoded protein sequence. Five of five in-silico tools predict a damaging effect of the variant on protein function. The variant was absent in 277014 control chromosomes (gnomAD). The variant, c.6827G>A, has been reported in the literature in multiple individuals affected with Marfan Syndrome (Voermans_2009, Franken_2016, Aalberts_2014). These data indicate that the variant is very likely to be associated with disease. To our knowledge, no experimental evidence demonstrating an impact on protein function has been reported. No clinical diagnostic laboratories have submitted clinical-significance assessments for this variant to ClinVar after 2014. Based on the evidence outlined above, the variant was classified as pathogenic.

Literature cited by the submitters: PubMed 24161884 (cited by Women's Health and Genetics/Laboratory Corporation of America, LabCorp); PubMed 26787436 (cited by Women's Health and Genetics/Laboratory Corporation of America, LabCorp); PubMed 19659760 (cited by Women's Health and Genetics/Laboratory Corporation of America, LabCorp).